The following is an entry in ClinVar:

NM_001349253.2(SCN11A):c.923C>G (p.Pro308Arg)

Gene: SCN11A (sodium voltage-gated channel alpha subunit 11; minus strand). Cytogenetic location: 3p22.2.
Variant type: single nucleotide variant.
Coding change: c.923C>G on transcript NM_001349253.2 (MANE Select); coding-DNA position 923, C replaced by G.
Protein change: p.Pro308Arg; replaces proline 308 with arginine.
Molecular consequence: missense variant.
Genome position (GRCh38, 1-based): chr3:38,919,971, G>C on the plus strand (C>G on the coding strand, the complement: SCN11A is on the minus strand). VCF-style: chr3-38919971-G-C. GRCh37 (hg19) VCF-style: chr3-38961462-G-C.
Other names: c.923C>G, p.Pro308Arg (NM_014139.3); short protein forms P308R.
Identifiers: ClinVar variation 3762050 (VCV003762050.2).

ClinVar aggregate classification (germline): Uncertain significance (1 of 4 stars; one submission).

Conditions:
Hereditary sensory and autonomic neuropathy type 7. Also called: HSAN VII; Neuropathy, hereditary sensory and autonomic, type VII. Identifiers: Orphanet 391397, MedGen C3809882, MONDO:0014244, OMIM 615548.
Familial episodic pain syndrome with predominantly lower limb involvement. Also called: Episodic pain syndrome, familial, 3. Identifiers: Orphanet 391384, Orphanet 391392, MedGen C3809899, MONDO:0014247, OMIM 615552.

gnomAD v4.1: 1 of 1,613,322 alleles (0.000062%); highest among the groups gnomAD compares: Non-Finnish European, 0.000085%; no homozygotes.

Submission:

Labcorp Genetics (formerly Invitae), Labcorp
Classification: Uncertain significance for Familial episodic pain syndrome with predominantly lower limb involvement; Hereditary sensory and autonomic neuropathy type 7. Last evaluated: 2024-09-28. Review status: criteria provided, single submitter. Criteria: Invitae Variant Classification Sherloc (09022015). Collection method: clinical testing. Allele origin: germline.
Comment: This sequence change replaces proline, which is neutral and non-polar, with arginine, which is basic and polar, at codon 308 of the SCN11A protein (p.Pro308Arg). This variant is present in population databases (no rsID available, gnomAD 0.0009%). This variant has not been reported in the literature in individuals affected with SCN11A-related conditions. Invitae Evidence Modeling of protein sequence and biophysical properties (such as structural, functional, and spatial information, amino acid conservation, physicochemical variation, residue mobility, and thermodynamic stability) indicates that this missense variant is not expected to disrupt SCN11A protein function with a negative predictive value of 80%. In summary, the available evidence is currently insufficient to determine the role of this variant in disease. Therefore, it has been classified as a Variant of Uncertain Significance.